The following is an entry in ClinVar:

ClinVar aggregate classification (germline): Pathogenic (1 of 4 stars; one submission).

Submission:

GeneDx
Classification: Pathogenic. Last evaluated: 2023-04-09. Review status: criteria provided, single submitter. Criteria: GeneDx Variant Classification Process June 2021. Collection method: clinical testing. Allele origin: germline. Affected: yes.
Comment: Not observed at significant frequency in large population cohorts (gnomAD); In silico analysis supports that this missense variant has a deleterious effect on protein structure/function

NM_022893.4(BCL11A):c.2362C>T (p.His788Tyr)

Gene: BCL11A (BCL11 transcription factor A; minus strand). Cytogenetic location: 2p16.1.
Variant type: single nucleotide variant.
Coding change: c.2362C>T on transcript NM_022893.4 (MANE Select); coding-DNA position 2362, C replaced by T.
Protein change: p.His788Tyr; replaces histidine 788 with tyrosine.
Molecular consequence: missense variant. On other transcripts: intron variant (13).
Genome position (GRCh38, 1-based): chr2:60,460,550, G>A on the plus strand (C>T on the coding strand, the complement: BCL11A is on the minus strand). VCF-style: chr2-60460550-G-A. GRCh37 (hg19) VCF-style: chr2-60687685-G-A.
Other names: c.2260C>T, p.His754Tyr (NM_001363864.1, NM_001365609.1, NM_001405711.1 and 1 more transcripts); c.2362C>T, p.His788Tyr (NM_001405708.1, NM_001405709.1, NM_001405710.1); c.2206C>T, p.His736Tyr (NM_001405713.1, NM_001405714.1, NM_001405715.1 and 1 more transcripts); c.2104C>T, p.His702Tyr (NM_001405717.1, NM_001405718.1); c.2029C>T, p.His677Tyr (NM_001405720.1, NM_001405721.1); c.1906C>T, p.His636Tyr (NM_001405725.1, NM_001405726.1, NM_001405727.1 and 1 more transcripts); c.1669C>T, p.His557Tyr (NM_001405729.1); c.630+1732C>T (NM_138559.2, NM_001405732.1); and 9 more; short protein forms H557Y, H636Y, H677Y, H702Y, H736Y, H754Y, H788Y.
Identifiers: ClinVar variation 2497886 (VCV002497886.1), dbSNP rs2466199331, ClinGen allele CA347035968.
Genomic context (GRCh38, chr2:60,460,550, plus strand): 5'-GCATCTTACAAATTTCACATTTGTAAACGTCCTTCCCCACCTGGCCATGCGTTTTCATGT[G>A]CCTGGTGAGCTTGCTACTCTGGGCACAGGCATAGTTGCACAGCTCGCATTTATAAGGCCT-3'
Protein context (NP_075044.2, residues 778-798): ACAQSSKLTR[His788Tyr]MKTHGQVGKD